The following is an entry in ClinVar:

ClinVar aggregate classification (germline): Likely pathogenic (1 of 4 stars; one submission).

Conditions:
Autosomal recessive nonsyndromic hearing loss 77. Identifiers: Orphanet 90636, MedGen C2746083, MONDO:0013119, OMIM 613079.

Submission:

Natera, Inc.
Classification: Likely pathogenic for Autosomal recessive deafness type 77. Last evaluated: 2024-12-31. Review status: criteria provided, single submitter. Criteria: Natera Variant Classification Schema (03/2026). Collection method: clinical testing. Allele origin: germline.
Comment: The c.2571dup variant in LOXHD1 is a frameshift variant predicted to shift the reading frame and introduce a stop codon. This variant is expected to result in nonsense mediated decay, truncation, or a dysfunctional protein product. This variant is rare in the general population with a frequency below the threshold expected for the associated phenotype(s). Given the available evidence, this variant is classified as Likely Pathogenic.

NM_001384474.1(LOXHD1):c.2571dup (p.Glu858Ter)

Gene: LOXHD1 (lipoxygenase homology PLAT domains 1; minus strand). Cytogenetic location: 18q21.1.
Variant type: Duplication.
Coding change: c.2571dup on transcript NM_001384474.1 (MANE Select); coding-DNA position 2571, one base duplicated (T; older notation c.2571dupT).
Protein change: p.Glu858Ter; replaces glutamic acid 858 with a stop codon.
Molecular consequence: nonsense.
Genome position (GRCh38, 1-based): chr18:46,563,092, A duplicated on the plus strand (T on the coding strand, the reverse complement: LOXHD1 is on the minus strand); the first of 5 consecutive A bases (chr18:46,563,092-46,563,096); duplicating any one gives the same sequence. VCF-style (leftmost placement, unchanged base first): chr18-46563091-C-CA. GRCh37 (hg19) VCF-style: chr18-44143054-C-CA.
Other names: c.2571dup, p.Glu858Ter (NM_144612.7); short protein forms E858*.
Identifiers: ClinVar variation 4816819 (VCV004816819.1).